The following is an entry in ClinVar:

ClinVar aggregate classification (germline): Uncertain significance. Review status: criteria provided, multiple submitters, no conflicts (2 of 4 stars). 2 submissions from 2 submitters: Uncertain significance (2). Last evaluated 2025-11-28.

Conditions:
Ehlers-Danlos syndrome, classic type, 1 (EDSCL1). Also called: EHLERS-DANLOS SYNDROME, GRAVIS TYPE; EHLERS-DANLOS SYNDROME, SEVERE CLASSIC TYPE; EDS I; Ehlers-Danlos Syndrome, Classic Type, COL5A1-Related; Ehlers-Danlos syndrome, type 1. Identifiers: MedGen C0268335, MONDO:0019567, OMIM 130000.

Allele frequency attached by ClinVar (database versions not stated): TOPMed below 0.00001; gnomAD exomes below 0.00001.
gnomAD v4.1: 1 of 1,612,644 alleles (0.000062%); highest among the groups gnomAD compares: Admixed American, 0.0017%; no homozygotes.

Submissions (2):

Women's Health and Genetics/Laboratory Corporation of America, LabCorp
Classification: Uncertain significance. Last evaluated: 2025-11-28. Review status: criteria provided, single submitter. Criteria: LabCorp Variant Classification Summary - May 2015. Collection method: clinical testing. Allele origin: germline.
Comment: Variant summary: COL5A1 c.4338+5G>A alters a conserved nucleotide located close to a canonical splice site and therefore could affect mRNA splicing, leading to a significantly altered protein sequence. Several computational tools predict a significant impact on normal splicing: Three predict the variant weakens a canonical 5' donor site. However, these predictions have yet to be confirmed by functional studies. The variant allele was found at a frequency of 4e-06 in 248424 control chromosomes. The available data on variant occurrences in the general population are insufficient to allow any conclusion about variant significance. To our knowledge, no occurrence of c.4338+5G>A in individuals affected with COL5A1-related conditions and no experimental evidence demonstrating its impact on protein function have been reported. ClinVar contains an entry for this variant (Variation ID: 1019220). Based on the evidence outlined above, the variant was classified as uncertain significance.

Labcorp Genetics (formerly Invitae), Labcorp
Classification: Uncertain significance for Ehlers-Danlos syndrome, classic type, 1. Last evaluated: 2020-08-14. Review status: criteria provided, single submitter. Criteria: Invitae Variant Classification Sherloc (09022015). Collection method: clinical testing. Allele origin: germline.
Comment: Nucleotide substitutions within the consensus splice site are a relatively common cause of aberrant splicing (PMID: 17576681, 9536098). Algorithms developed to predict the effect of sequence changes on RNA splicing suggest that this variant may disrupt the consensus splice site, but this prediction has not been confirmed by published transcriptional studies. In summary, the available evidence is currently insufficient to determine the role of this variant in disease. Therefore, it has been classified as a Variant of Uncertain Significance. This variant has not been reported in the literature in individuals with COL5A1-related conditions. This variant is not present in population databases (ExAC no frequency). This sequence change falls in intron 55 of the COL5A1 gene. It does not directly change the encoded amino acid sequence of the COL5A1 protein, but it affects a nucleotide within the consensus splice site of the intron.

Literature cited by the submitters: PubMed 17576681 (cited by Labcorp Genetics (formerly Invitae), Labcorp); PubMed 9536098 (cited by Labcorp Genetics (formerly Invitae), Labcorp).

NM_000093.5(COL5A1):c.4338+5G>A

Gene: COL5A1 (collagen type V alpha 1 chain; plus strand). Cytogenetic location: 9q34.3.
Variant type: single nucleotide variant.
Coding change: c.4338+5G>A on transcript NM_000093.5 (MANE Select); 5 bases into the intron after coding-DNA position 4338, G replaced by A.
Molecular consequence: intron variant.
Genome position (GRCh38, 1-based): chr9:134,818,768, G>A. VCF-style: chr9-134818768-G-A. GRCh37 (hg19) VCF-style: chr9-137710614-G-A.
Other names: c.4338+5G>A (NM_001278074.1).
Identifiers: ClinVar variation 1019220 (VCV001019220.9), dbSNP rs1352729728, ClinGen allele CA591110665.
Genomic context (GRCh38, chr9:134,818,768, plus strand): 5'-AGGGGGCCCCTGGGAAGCCCGGACCGGATGGCCTTCGAGGGATCCCTGGCCCTGTGGTGA[G>A]TAGGCTGTGAGGGGCAGAGGGGTTGCCGAGTGGAGGGACGGGGGACCAGCAACTCATGCA-3'